The following is an entry in ClinVar:

NM_001395413.1(POR):c.251dup (p.Tyr84Ter)

Gene: POR (cytochrome p450 oxidoreductase; plus strand). Cytogenetic location: 7q11.23.
Variant type: Duplication.
Coding change: c.251dup on transcript NM_001395413.1 (MANE Select); coding-DNA position 251, one base duplicated (A; older notation c.251dupA).
Protein change: p.Tyr84Ter; replaces tyrosine 84 with a stop codon.
Molecular consequence: nonsense. On other transcripts: frameshift variant (2).
Genome position (GRCh38, 1-based): chr7:75,979,473, A duplicated. VCF-style (leftmost placement, unchanged base first): chr7-75979472-T-TA. GRCh37 (hg19) VCF-style: chr7-75608790-T-TA.
Other names: c.260dup, p.Tyr87Terfs (NM_000941.2, NM_000941.3); c.251dup, p.Tyr84Ter (NM_001367562.3, NM_001382657.2, NM_001382658.3 and 2 more transcripts); c.305dup, p.Tyr102Ter (NM_001382655.3); short protein forms Y102*, Y84*.
Identifiers: ClinVar variation 2735032 (VCV002735032.3), dbSNP rs2535366127, ClinGen allele CA2695207784.

ClinVar aggregate classification (germline): Pathogenic (1 of 4 stars; one submission).

Conditions:
Congenital adrenal hyperplasia due to cytochrome P450 oxidoreductase deficiency. Also called: DISORDERED STEROIDOGENESIS DUE TO POR DEFICIENCY. Identifiers: Orphanet 95699, MedGen C1860042, MONDO:0013310, OMIM 613571.

Submission:

Labcorp Genetics (formerly Invitae), Labcorp
Classification: Pathogenic for Congenital adrenal hyperplasia due to cytochrome P450 oxidoreductase deficiency. Last evaluated: 2023-06-23. Review status: criteria provided, single submitter. Criteria: Invitae Variant Classification Sherloc (09022015). Collection method: clinical testing. Allele origin: germline.
Comment: This sequence change creates a premature translational stop signal (p.Tyr87*) in the POR gene. It is expected to result in an absent or disrupted protein product. Loss-of-function variants in POR are known to be pathogenic (PMID: 14758361, 20732302, 21741353). This variant is not present in population databases (gnomAD no frequency). This premature translational stop signal has been observed in individual(s) with P450 oxidoreductase deficiency (PMID: 22162478). For these reasons, this variant has been classified as Pathogenic.

Literature cited by the submitters: PubMed 14758361; PubMed 20732302; PubMed 21741353; PubMed 22162478.